The following is an entry in ClinVar:

ClinVar aggregate classification (germline): Uncertain significance. Review status: criteria provided, multiple submitters, no conflicts (2 of 4 stars). 6 submissions from 6 submitters: Uncertain significance (6). Last evaluated 2025-07-22.

Conditions:
Hypokalemic periodic paralysis, type 1. Also called: HypoPP; Hypokalemic Periodic Paralysis Type 1 (AD). Identifiers: Orphanet 681, MedGen C3714580, MONDO:0042979, OMIM 170400.
Hyperkalemic periodic paralysis. Also called: Familial hyperkalemic periodic paralysis; Gamstorp disease. Identifiers: Orphanet 682, MedGen C0238357, MONDO:0008224, OMIM 170500, HP:0007215.
Paramyotonia congenita of Von Eulenburg. Also called: Eulenburg disease; Myotonia congenita intermittens; Von Eulenburg paramyotonia congenita; Paramyotonia Congenita; PARALYSIS PERIODICA PARAMYOTONICA. Identifiers: Orphanet 684, MedGen C0221055, MONDO:0008195, OMIM 168300. Disease mechanism: loss of function.
Hypokalemic periodic paralysis, type 2 (HOKPP2). Identifiers: Orphanet 681, MedGen C2750061, MONDO:0013234, OMIM 613345.
Potassium-aggravated myotonia. Also called: MYOTONIA CONGENITA, ACETAZOLAMIDE-RESPONSIVE; MYOTONIA CONGENITA, ATYPICAL; SODIUM CHANNEL MUSCLE DISEASE; Myotonia congenita, atypical, acetazolamide-responsive. Identifiers: Orphanet 612, Orphanet 99734, Orphanet 99735, Orphanet 99736, MedGen C2931826, MONDO:0018959, OMIM 608390.
Congenital myasthenic syndrome 16. Identifiers: Orphanet 590, MedGen C3280112, MONDO:0013620, OMIM 614198.
Inborn genetic diseases. Identifiers: MedGen C0950123, MeSH D030342.

Allele frequency attached by ClinVar (database versions not stated): gnomAD 0.00002 and 0.00004; gnomAD exomes 0.00001; TOPMed 0.00006.
gnomAD v4.1: 17 of 1,592,784 alleles (0.0011%); highest among the groups gnomAD compares: Admixed American, 0.017%; no homozygotes.

Submissions (6):

Labcorp Genetics (formerly Invitae), Labcorp
Classification: Uncertain significance for Hyperkalemic periodic paralysis. Last evaluated: 2025-07-22. Review status: criteria provided, single submitter. Criteria: Invitae Variant Classification Sherloc (09022015). Collection method: clinical testing. Allele origin: germline.
Comment: This sequence change replaces serine, which is neutral and polar, with isoleucine, which is neutral and non-polar, at codon 528 of the SCN4A protein (p.Ser528Ile). The frequency data for this variant in the population databases is considered unreliable, as metrics indicate poor data quality at this position in the gnomAD database. This missense change has been observed in individual(s) with clinical features of autosomal dominant SCN4A-related conditions (internal data). ClinVar contains an entry for this variant (Variation ID: 858350). Invitae Evidence Modeling of protein sequence and biophysical properties (such as structural, functional, and spatial information, amino acid conservation, physicochemical variation, residue mobility, and thermodynamic stability) indicates that this missense variant is not expected to disrupt SCN4A protein function with a negative predictive value of 95%. In summary, the available evidence is currently insufficient to determine the role of this variant in disease. Therefore, it has been classified as a Variant of Uncertain Significance.

Dasa
Classification: Uncertain significance. Last evaluated: 2025-03-13. Review status: criteria provided, single submitter. Criteria: DASA Assertion Criteria. Collection method: clinical testing. Allele origin: germline.
Comment: NM_000334.4(SCN4A):c.1583G>T (p.Ser528Ile) is a missense variant that results in the substitution of serine with isoleucine. This variant is rare in population databases. The currently available literature and clinical evidence are not sufficient to establish a definitive association between this variant and the reported condition. Therefore, this variant is classified as a variant of uncertain significance.

Ambry Genetics
Classification: Uncertain significance for Inborn genetic diseases. Last evaluated: 2025-02-05. Review status: criteria provided, single submitter. Criteria: Ambry Variant Classification Scheme 2023. Collection method: clinical testing. Allele origin: germline.

Laboratorio de Genetica e Diagnostico Molecular, Hospital Israelita Albert Einstein
Classification: Uncertain significance for Hyperkalemic periodic paralysis. Last evaluated: 2022-03-22. Review status: criteria provided, single submitter. Criteria: ACMG Guidelines, 2015. Collection method: clinical testing. Allele origin: germline. Affected: yes.
Comment: ACMG classification criteria: PM2 moderated

Fulgent Genetics
Classification: Uncertain significance for Paramyotonia congenita of Von Eulenburg; Hypokalemic periodic paralysis, type 1; Hyperkalemic periodic paralysis; Potassium-aggravated myotonia; Hypokalemic periodic paralysis, type 2; Congenital myasthenic syndrome 16. Last evaluated: 2022-01-27. Review status: criteria provided, single submitter. Criteria: ACMG Guidelines, 2015. Collection method: clinical testing. Allele origin: unknown.

Revvity Omics, Revvity
Classification: Uncertain significance. Last evaluated: 2020-03-25. Review status: criteria provided, single submitter. Criteria: ACMG Guidelines, 2015. Collection method: clinical testing. Allele origin: germline.

NM_000334.4(SCN4A):c.1583G>T (p.Ser528Ile)

Gene: SCN4A (sodium voltage-gated channel alpha subunit 4; minus strand). Cytogenetic location: 17q23.3.
Variant type: single nucleotide variant.
Coding change: c.1583G>T on transcript NM_000334.4 (MANE Select); coding-DNA position 1583, G replaced by T.
Protein change: p.Ser528Ile; replaces serine 528 with isoleucine.
Molecular consequence: missense variant.
Genome position (GRCh38, 1-based): chr17:63,963,695, C>A on the plus strand (G>T on the coding strand, the complement: SCN4A is on the minus strand). VCF-style: chr17-63963695-C-A. GRCh37 (hg19) VCF-style: chr17-62041055-C-A.
Other names: short protein forms S528I.
Identifiers: ClinVar variation 858350 (VCV000858350.19), dbSNP rs906634749, ClinGen allele CA292970827.